The following is an entry in ClinVar:

ClinVar aggregate classification (germline): Uncertain significance (1 of 4 stars; one submission).

gnomAD v4.1: 2 of 1,487,728 alleles (0.00013%); highest among the groups gnomAD compares: East Asian, 0.0026%; no homozygotes.

Submission:

Ambry Genetics
Classification: Uncertain significance. Last evaluated: 2025-03-29. Review status: criteria provided, single submitter. Criteria: Ambry Variant Classification Scheme 2023. Collection method: clinical testing. Allele origin: germline.
Comment: The p.A168S variant (also known as c.502G>T), located in coding exon 1 of the PALLD gene, results from a G to T substitution at nucleotide position 502. The alanine at codon 168 is replaced by serine, an amino acid with similar properties. This amino acid position is conserved. In addition, this alteration is predicted to be tolerated by in silico analysis. Based on the available evidence, the clinical significance of this variant remains unclear.

NM_001166108.2(PALLD):c.1965-12529G>T

Gene: PALLD (palladin, cytoskeletal associated protein; plus strand). Cytogenetic location: 4q32.3.
Variant type: single nucleotide variant.
Coding change: c.1965-12529G>T on transcript NM_001166108.2 (MANE Select); 12529 bases into the intron before coding-DNA position 1965, G replaced by T.
Molecular consequence: intron variant. On other transcripts: missense variant (1).
Genome position (GRCh38, 1-based): chr4:168,878,393, G>T. VCF-style: chr4-168878393-G-T. GRCh37 (hg19) VCF-style: chr4-169799544-G-T.
Other names: c.502G>T, p.Ala168Ser (NM_001166110.2); c.1965-12529G>T (NM_016081.4); c.819-12529G>T (NM_001166109.2); c.-157-12529G>T (NM_001367570.1, NM_001367568.1, NM_001367567.1 and 1 more transcripts); short protein forms A168S.
Identifiers: ClinVar variation 3927518 (VCV003927518.1).
Genomic context (GRCh38, chr4:168,878,393, plus strand): 5'-CCCTCGCAGCCGCCGCCGGCGGCCGTCAACGCCCTGGGGCTGCCCAAGGGTGTCACCCCC[G>T]CGTGAGTAACCGCCGCGGTCCTCCACTTCCCTGCCCCTCCGCCTCGGGTCGCCCTGGGAC-3'